The following is an entry in ClinVar:

NM_000051.4(ATM):c.5713T>G (p.Ser1905Ala)

Gene: ATM (ATM serine/threonine kinase; plus strand). Cytogenetic location: 11q22.3.
Variant type: single nucleotide variant.
Coding change: c.5713T>G on transcript NM_000051.4 (MANE Select); coding-DNA position 5713, T replaced by G.
Protein change: p.Ser1905Ala; replaces serine 1905 with alanine.
Molecular consequence: missense variant.
Genome position (GRCh38, 1-based): chr11:108,307,935, T>G. VCF-style: chr11-108307935-T-G. GRCh37 (hg19) VCF-style: chr11-108178662-T-G.
Other names: c.5713T>G, p.Ser1905Ala (NM_001351834.2); short protein forms S1905A.
Identifiers: ClinVar variation 4745637 (VCV004745637.1).

ClinVar aggregate classification (germline): Uncertain significance (1 of 4 stars; one submission).

Conditions:
Ataxia-telangiectasia syndrome (AT). Also called: Ataxia-telangiectasia, complementation group D; AT, COMPLEMENTATION GROUP C; Ataxia-telangiectasia; Ataxia telangiectasia (A-T); LOUIS-BAR SYNDROME; Cerebello-oculocutaneous telangiectasia. Identifiers: Orphanet 100, MedGen C0004135, MONDO:0008840, OMIM 208900.

Submission:

Labcorp Genetics (formerly Invitae), Labcorp
Classification: Uncertain significance for Ataxia-telangiectasia syndrome. Last evaluated: 2025-10-13. Review status: criteria provided, single submitter. Criteria: Invitae Variant Classification Sherloc (09022015). Collection method: clinical testing. Allele origin: germline.
Comment: This sequence change replaces serine, which is neutral and polar, with alanine, which is neutral and non-polar, at codon 1905 of the ATM protein (p.Ser1905Ala). This variant is not present in population databases (gnomAD no frequency). This variant has not been reported in the literature in individuals affected with ATM-related conditions. Invitae Evidence Modeling of protein sequence and biophysical properties (such as structural, functional, and spatial information, amino acid conservation, physicochemical variation, residue mobility, and thermodynamic stability) indicates that this missense variant is not expected to disrupt ATM protein function with a negative predictive value of 95%. In summary, the available evidence is currently insufficient to determine the role of this variant in disease. Therefore, it has been classified as a Variant of Uncertain Significance.